The following is an entry in ClinVar:

NM_020937.4(FANCM):c.484C>G (p.Gln162Glu)

Gene: FANCM (FA complementation group M; plus strand). Cytogenetic location: 14q21.2.
Variant type: single nucleotide variant.
Coding change: c.484C>G on transcript NM_020937.4 (MANE Select); coding-DNA position 484, C replaced by G.
Protein change: p.Gln162Glu; replaces glutamine 162 with glutamic acid.
Molecular consequence: missense variant.
Genome position (GRCh38, 1-based): chr14:45,136,515, C>G. VCF-style: chr14-45136515-C-G. GRCh37 (hg19) VCF-style: chr14-45605718-C-G.
Other names: c.484C>G, p.Gln162Glu (NM_001308133.2, NM_001308134.2); short protein forms Q162E.
Identifiers: ClinVar variation 5036570 (VCV005036570.1).

ClinVar aggregate classification (germline): Uncertain significance (1 of 4 stars; one submission).

Conditions:
Inborn genetic diseases. Identifiers: MedGen C0950123, MeSH D030342.

gnomAD v4.1: 1 of 1,613,990 alleles (0.000062%); highest among the groups gnomAD compares: Non-Finnish European, 0.000085%; no homozygotes.

Submission:

Ambry Genetics
Classification: Uncertain significance for Inborn genetic diseases. Last evaluated: 2026-06-21. Review status: criteria provided, single submitter. Criteria: Ambry Variant Classification Scheme 2023. Collection method: clinical testing. Allele origin: germline.
Comment: The p.Q162E variant (also known as c.484C>G), located in coding exon 1 of the FANCM gene, results from a C to G substitution at nucleotide position 484. The glutamine at codon 162 is replaced by glutamic acid, an amino acid with highly similar properties. This amino acid position is conserved. In addition, this alteration is predicted to be tolerated by in silico analysis. Based on the available evidence, the clinical significance of this variant remains unclear.